The following is an entry in ClinVar:

ClinVar aggregate classification (germline): Uncertain significance. Review status: criteria provided, multiple submitters, no conflicts (2 of 4 stars). 2 submissions from 2 submitters: Uncertain significance (2). Last evaluated 2024-11-04.

Allele frequency attached by ClinVar (database versions not stated): ExAC 0.00008; gnomAD 0.00015; 1000 Genomes Project 30x 0.00016; TOPMed 0.00019; 1000 Genomes Project 0.00020; ESP Exome Variant Server 0.00031.
gnomAD v4.1: 50 of 1,613,466 alleles (0.0031%); highest among the groups gnomAD compares: African/African-American, 0.057%; no homozygotes.

Submissions (2):

Labcorp Genetics (formerly Invitae), Labcorp
Classification: Uncertain significance. Last evaluated: 2024-11-04. Review status: criteria provided, single submitter. Criteria: Invitae Variant Classification Sherloc (09022015). Collection method: clinical testing. Allele origin: germline.
Comment: This sequence change replaces alanine, which is neutral and non-polar, with valine, which is neutral and non-polar, at codon 173 of the WNT3 protein (p.Ala173Val). This variant is present in population databases (rs139902701, gnomAD 0.08%), and has an allele count higher than expected for a pathogenic variant. This variant has not been reported in the literature in individuals affected with WNT3-related conditions. ClinVar contains an entry for this variant (Variation ID: 2339072). Invitae Evidence Modeling of protein sequence and biophysical properties (such as structural, functional, and spatial information, amino acid conservation, physicochemical variation, residue mobility, and thermodynamic stability) indicates that this missense variant is not expected to disrupt WNT3 protein function with a negative predictive value of 80%. In summary, the available evidence is currently insufficient to determine the role of this variant in disease. Therefore, it has been classified as a Variant of Uncertain Significance.

Ambry Genetics
Classification: Uncertain significance. Last evaluated: 2021-10-26. Review status: criteria provided, single submitter. Criteria: Ambry Variant Classification Scheme 2023. Collection method: clinical testing. Allele origin: germline.

NM_030753.5(WNT3):c.518C>T (p.Ala173Val)

Genes: LRRC37A2 (leucine rich repeat containing 37 member A2), WNT3 (Wnt family member 3; minus strand). Cytogenetic location: 17q21.31.
Variant type: single nucleotide variant.
Coding change: c.518C>T on transcript NM_030753.5 (MANE Select); coding-DNA position 518, C replaced by T.
Protein change: p.Ala173Val; replaces alanine 173 with valine.
Molecular consequence: missense variant.
Genome position (GRCh38, 1-based): chr17:46,769,853, G>A on the plus strand (C>T on the coding strand, the complement: WNT3 is on the minus strand). VCF-style: chr17-46769853-G-A. GRCh37 (hg19) VCF-style: chr17-44847219-G-A.
Other names: short protein forms A173V.
Identifiers: ClinVar variation 2339072 (VCV002339072.5), dbSNP rs139902701, ClinGen allele CA8620584.
Genomic context (GRCh38, chr17:46,769,853, plus strand): 5'-GCCTCGTTGTTGTGCTTGTTCATGGCCGAGCGCGCGTCCGGCCTGTTCTCGCGCGCATCC[G>A]CGAACTCCCTGGACACTAACACGCCGAAGTCAGCGTCCTCGCTGCAGCCGCCCCACTTCC-3'
Protein context (NP_110380.1, residues 163-183): DFGVLVSREF[Ala173Val]DARENRPDAR